The following is an entry in ClinVar:

NM_000038.6(APC):c.1861A>G (p.Thr621Ala)

Gene: APC (APC regulator of Wnt signaling pathway; plus strand). Cytogenetic location: 5q22.2.
Variant type: single nucleotide variant.
Coding change: c.1861A>G on transcript NM_000038.6 (MANE Select); coding-DNA position 1861, A replaced by G.
Protein change: p.Thr621Ala; replaces threonine 621 with alanine.
Molecular consequence: missense variant.
Genome position (GRCh38, 1-based): chr5:112,835,068, A>G. VCF-style: chr5-112835068-A-G. GRCh37 (hg19) VCF-style: chr5-112170765-A-G.
Other names: c.1861A>G, p.Thr621Ala (NM_001127510.3, NM_001354895.2); c.1807A>G, p.Thr603Ala (NM_001127511.3); c.1915A>G, p.Thr639Ala (NM_001354896.2); c.1891A>G, p.Thr631Ala (NM_001354897.2); c.1786A>G, p.Thr596Ala (NM_001354898.2); c.1777A>G, p.Thr593Ala (NM_001354899.2); c.1738A>G, p.Thr580Ala (NM_001354900.2); c.1861A>G (NM_000038.5); and 6 more; short protein forms T338A, T520A, T639A, T593A, T596A, T530A, T580A, T603A.
Identifiers: ClinVar variation 1509036 (VCV001509036.9), dbSNP rs2149842855, ClinGen allele CA16025391.

ClinVar aggregate classification (germline): Uncertain significance. Review status: criteria provided, multiple submitters, no conflicts (2 of 4 stars). 2 submissions from 2 submitters: Uncertain significance (2). Last evaluated 2026-05-23.

Conditions:
Familial adenomatous polyposis 1 (FAP1). Also called: FAMILIAL ADENOMATOUS POLYPOSIS 1, ATTENUATED; POLYPOSIS, ADENOMATOUS INTESTINAL. Identifiers: MedGen C2713442, MONDO:0021056, OMIM 175100. Disease mechanism: loss of function.
Hereditary cancer-predisposing syndrome. Also called: Tumor predisposition; Neoplastic Syndromes, Hereditary; Hereditary Cancer Syndrome; Hereditary neoplastic syndrome. Identifiers: Orphanet 140162, MedGen C0027672, MeSH D009386, MONDO:0015356.

Submissions (2):

Ambry Genetics
Classification: Uncertain significance for Hereditary cancer-predisposing syndrome. Last evaluated: 2026-05-23. Review status: criteria provided, single submitter. Criteria: Ambry Variant Classification Scheme 2023. Collection method: clinical testing. Allele origin: germline.
Comment: The p.T621A variant (also known as c.1861A>G), located in coding exon 14 of the APC gene, results from an A to G substitution at nucleotide position 1861. The threonine at codon 621 is replaced by alanine, an amino acid with similar properties. This amino acid position is conserved. In addition, in silico predictors for this gene do not accurately predict pathogenicity. Based on the available evidence, the clinical significance of this variant remains unclear.

Labcorp Genetics (formerly Invitae), Labcorp
Classification: Uncertain significance for Familial adenomatous polyposis 1. Last evaluated: 2021-02-12. Review status: criteria provided, single submitter. Criteria: Invitae Variant Classification Sherloc (09022015). Collection method: clinical testing. Allele origin: germline.
Comment: Algorithms developed to predict the effect of missense changes on protein structure and function (SIFT, PolyPhen-2, Align-GVGD) all suggest that this variant is likely to be tolerated, but these predictions have not been confirmed by published functional studies and their clinical significance is uncertain. In summary, the available evidence is currently insufficient to determine the role of this variant in disease. Therefore, it has been classified as a Variant of Uncertain Significance. This variant is not present in population databases (ExAC no frequency). This sequence change replaces threonine with alanine at codon 621 of the APC protein (p.Thr621Ala). The threonine residue is highly conserved and there is a small physicochemical difference between threonine and alanine. This variant has not been reported in the literature in individuals with APC-related conditions.